The following is an entry in ClinVar:

ClinVar aggregate classification (germline): Uncertain significance (3 of 4 stars; one submission).

Conditions:
Glanzmann thrombasthenia. Also called: Glanzmann's thrombasthenia; PLATELET GLYCOPROTEIN IIb-IIIa DEFICIENCY; BLEEDING DISORDER, PLATELET-TYPE, 2; THROMBASTHENIA OF GLANZMANN AND NAEGELI; Thrombasthenia. Identifiers: Orphanet 849, MedGen C0040015, MONDO:0100326.

Submission:

ClinGen Platelet Disorders Variant Curation Expert Panel, ClinGen
Classification: Uncertain significance for Glanzmann thrombasthenia. Last evaluated: 2024-02-20. Review status: reviewed by expert panel. Criteria: ClinGen Platelet ACMG Specifications v2-1. Collection method: curation. Allele origin: germline. Inheritance: Autosomal recessive inheritance.
Comment: The NM_000419.5(ITGA2B):c.2330C>A (p.Ala777Asp) missense variant has been reported in at least two compound heterozygous GT probands (PMID: 29675921 and GT database 438). GT30 of PMID: 29675921 meets the criteria for PP4_Strong; including mucocutaneous bleeding, impaired aggregation with all agonists except ristocetin, and reduced surface expression of αIIbβ3 measured by flow cytometry. The variant is absent from all population database cohorts, including gnomADv4 (PM2_supporting). In summary this variant meets criteria to be classified as uncertain significance for GT. GT-specific criteria applied: PM2_Supporting and PP4_Strong.

NM_000419.5(ITGA2B):c.2330C>A (p.Ala777Asp)

Gene: ITGA2B (integrin subunit alpha 2b; minus strand). Cytogenetic location: 17q21.31.
Variant type: single nucleotide variant.
Coding change: c.2330C>A on transcript NM_000419.5 (MANE Select); coding-DNA position 2330, C replaced by A.
Protein change: p.Ala777Asp; replaces alanine 777 with aspartic acid.
Molecular consequence: missense variant.
Genome position (GRCh38, 1-based): chr17:44,376,326, G>T on the plus strand (C>A on the coding strand, the complement: ITGA2B is on the minus strand). VCF-style: chr17-44376326-G-T. GRCh37 (hg19) VCF-style: chr17-42453694-G-T.
Other names: short protein forms A777D.
Identifiers: ClinVar variation 996187 (VCV000996187.3), dbSNP rs2048543938, ClinGen allele CA399796685.
Genomic context (GRCh38, chr17:44,376,326, plus strand): 5'-AGCCCTGAATGCCATCTCCCTTCTCCACCCCTGGCCTCTCACCCTCGCAGCTCCACTTGG[G>T]CCTCTGCCCGGACCGGCACGTCCAGCAGCACAATCTTGCTGTTTGGATTCTGGCTGTTCT-3'
Protein context (NP_000410.2, residues 767-787): VLLDVPVRAE[Ala777Asp]QVELRGNSFP